The following is an entry in ClinVar:

ClinVar aggregate classification (germline): Uncertain significance (1 of 4 stars; one submission).

Submission:

Ambry Genetics
Classification: Uncertain significance. Last evaluated: 2023-10-09. Review status: criteria provided, single submitter. Criteria: Ambry Variant Classification Scheme 2023. Collection method: clinical testing. Allele origin: germline.
Comment: The p.P295L variant (also known as c.884C>T), located in coding exon 3 of the TERF2IP gene, results from a C to T substitution at nucleotide position 884. The proline at codon 295 is replaced by leucine, an amino acid with similar properties. This amino acid position is conserved. In addition, this alteration is predicted to be tolerated by in silico analysis. Since supporting evidence is limited at this time, the clinical significance of this alteration remains unclear.

NM_018975.4(TERF2IP):c.884C>T (p.Pro295Leu)

Gene: TERF2IP (TERF2 interacting protein; plus strand). Cytogenetic location: 16q23.1.
Variant type: single nucleotide variant.
Coding change: c.884C>T on transcript NM_018975.4 (MANE Select); coding-DNA position 884, C replaced by T.
Protein change: p.Pro295Leu; replaces proline 295 with leucine.
Molecular consequence: missense variant. On other transcripts: non-coding transcript variant (1).
Genome position (GRCh38, 1-based): chr16:75,656,295, C>T. VCF-style: chr16-75656295-C-T. GRCh37 (hg19) VCF-style: chr16-75690193-C-T.
Other names: short protein forms P295L.
Identifiers: ClinVar variation 3227209 (VCV003227209.1), dbSNP rs1172978198, ClinGen allele CA396819795.